The following is an entry in ClinVar:

NM_000466.3(PEX1):c.2230C>T (p.Gln744Ter)

Gene: PEX1 (peroxisomal biogenesis factor 1; minus strand). Cytogenetic location: 7q21.2.
Variant type: single nucleotide variant.
Coding change: c.2230C>T on transcript NM_000466.3 (MANE Select); coding-DNA position 2230, C replaced by T.
Protein change: p.Gln744Ter; replaces glutamine 744 with a stop codon.
Molecular consequence: nonsense.
Genome position (GRCh38, 1-based): chr7:92,502,076, G>A on the plus strand (C>T on the coding strand, the complement: PEX1 is on the minus strand). VCF-style: chr7-92502076-G-A. GRCh37 (hg19) VCF-style: chr7-92131390-G-A.
Other names: c.2059C>T, p.Gln687Ter (NM_001282677.2); c.1606C>T, p.Gln536Ter (NM_001282678.2); short protein forms Q744*, Q687*, Q536*.
Identifiers: ClinVar variation 93104 (VCV000093104.14), dbSNP rs398123409, ClinGen allele CA220975.

ClinVar aggregate classification (germline): Pathogenic/Likely pathogenic. Review status: criteria provided, multiple submitters, no conflicts (2 of 4 stars). 5 submissions from 5 submitters: Pathogenic (3); Likely pathogenic (1). 1 of the submissions does not count toward it. Last evaluated 2025-07-10.

Conditions:
Zellweger spectrum disorders (ZS). Also called: Zellweger Spectrum Disorder; Zellweger Spectrum; Zellweger syndrome; Zellweger Spectrum Disorder (ZSD). Identifiers: Orphanet 912, MedGen C0043459, MONDO:0019609.
Heimler syndrome 1 (HMLR1). Also called: PEROXISOME BIOGENESIS DISORDER 1C. Identifiers: Orphanet 3220, MedGen C4551980, OMIM 234580, MONDO:0024544.
Peroxisome biogenesis disorder 1A (Zellweger) (PBD1A). Also called: Zellweger leukodystrophy; Peroxisome biogenesis disorder 1a. Identifiers: MedGen C4721541, MONDO:0008953, OMIM 214100.

Allele frequency attached by ClinVar (database versions not stated): gnomAD exomes below 0.00001; gnomAD 0.00001; TOPMed 0.00001.
gnomAD v4.1: 3 of 1,591,352 alleles (0.00019%); highest among the groups gnomAD compares: Non-Finnish European, 0.00026%; no homozygotes.

Submissions (5):

Natera, Inc.
Classification: Likely pathogenic for Zellweger syndrome. Last evaluated: 2025-07-10. Review status: criteria provided, single submitter. Criteria: Natera Variant Classification Schema (03/2026). Collection method: clinical testing. Allele origin: germline.
Comment: The c.2230C>T variant in PEX1 is a nonsense variant predicted to introduce a stop codon at amino acid 744. This variant is expected to result in nonsense mediated decay, truncation, or a dysfunctional protein product. This variant is rare in the general population with a frequency below the threshold expected for the associated phenotype(s). Given the available evidence, this variant is classified as Likely Pathogenic.

Baylor Genetics
Classification: Pathogenic for Heimler syndrome 1. Last evaluated: 2024-03-16. Review status: criteria provided, single submitter. Criteria: ACMG Guidelines, 2015. Collection method: clinical testing. Allele origin: unknown.

Labcorp Genetics (formerly Invitae), Labcorp
Classification: Pathogenic for Zellweger spectrum disorders. Last evaluated: 2023-09-19. Review status: criteria provided, single submitter. Criteria: Invitae Variant Classification Sherloc (09022015). Collection method: clinical testing. Allele origin: germline.
Comment: This variant is present in population databases (rs398123409, gnomAD 0.007%). This sequence change creates a premature translational stop signal (p.Gln744*) in the PEX1 gene. It is expected to result in an absent or disrupted protein product. Loss-of-function variants in PEX1 are known to be pathogenic (PMID: 21031596, 26387595, 31831025). This variant has not been reported in the literature in individuals affected with PEX1-related conditions. For these reasons, this variant has been classified as Pathogenic. ClinVar contains an entry for this variant (Variation ID: 93104).

Eurofins Ntd Llc (ga)
Classification: Pathogenic. Last evaluated: 2012-09-28. Review status: criteria provided, single submitter. Criteria: EGL Classification Definitions 2015. Collection method: clinical testing. Allele origin: germline. Observed: 1 variant allele, 1 heterozygote.

Counsyl
Classification: Likely pathogenic for Peroxisome biogenesis disorder 1A (Zellweger). Last evaluated: 2018-02-02. Review status: no assertion criteria provided. Collection method: clinical testing. Allele origin: unknown. Not counted in ClinVar's aggregate classification.

Literature cited by the submitters: PubMed 21031596 (cited by Labcorp Genetics (formerly Invitae), Labcorp); PubMed 26387595 (cited by Labcorp Genetics (formerly Invitae), Labcorp); PubMed 31831025 (cited by Labcorp Genetics (formerly Invitae), Labcorp).